The following is an entry in ClinVar:

ClinVar aggregate classification (germline): Uncertain significance. Review status: criteria provided, multiple submitters, no conflicts (2 of 4 stars). 2 submissions from 2 submitters: Uncertain significance (2). Last evaluated 2024-01-04.

Conditions:
Inborn genetic diseases. Identifiers: MedGen C0950123, MeSH D030342.

Allele frequency attached by ClinVar (database versions not stated): gnomAD exomes below 0.00001; TOPMed 0.00001; ExAC 0.00002; gnomAD 0.00002; 1000 Genomes Project 30x 0.00016; 1000 Genomes Project 0.00020.
gnomAD v4.1: 8 of 1,614,072 alleles (0.0005%); highest among the groups gnomAD compares: East Asian, 0.018%; no homozygotes.

Submissions (2):

Ambry Genetics
Classification: Uncertain significance for Inborn genetic diseases. Last evaluated: 2024-01-04. Review status: criteria provided, single submitter. Criteria: Ambry Variant Classification Scheme 2023. Collection method: clinical testing. Allele origin: germline.

Labcorp Genetics (formerly Invitae), Labcorp
Classification: Uncertain significance. Last evaluated: 2022-09-03. Review status: criteria provided, single submitter. Criteria: Invitae Variant Classification Sherloc (09022015). Collection method: clinical testing. Allele origin: germline.
Comment: This variant has not been reported in the literature in individuals affected with C1S-related conditions. This variant is present in population databases (rs782633527, gnomAD 0.01%). This sequence change replaces serine, which is neutral and polar, with cysteine, which is neutral and slightly polar, at codon 87 of the C1S protein (p.Ser87Cys). Algorithms developed to predict the effect of missense changes on protein structure and function are either unavailable or do not agree on the potential impact of this missense change (SIFT: "Deleterious"; PolyPhen-2: "Benign"; Align-GVGD: "Class C25"). In summary, the available evidence is currently insufficient to determine the role of this variant in disease. Therefore, it has been classified as a Variant of Uncertain Significance.

NM_001734.5(C1S):c.259A>T (p.Ser87Cys)

Gene: C1S (complement C1s; plus strand). Cytogenetic location: 12p13.31.
Variant type: single nucleotide variant.
Coding change: c.259A>T on transcript NM_001734.5 (MANE Select); coding-DNA position 259, A replaced by T.
Protein change: p.Ser87Cys; replaces serine 87 with cysteine.
Molecular consequence: missense variant. On other transcripts: 5 prime UTR variant (1).
Genome position (GRCh38, 1-based): chr12:7,062,935, A>T. VCF-style: chr12-7062935-A-T. GRCh37 (hg19) VCF-style: chr12-7170239-A-T.
Other names: c.-243A>T (NM_001346850.2); c.259A>T, p.Ser87Cys (NM_201442.4); c.259A>T (NM_201442.2); short protein forms S87C.
Identifiers: ClinVar variation 1968184 (VCV001968184.6), dbSNP rs782633527, ClinGen allele CA6423363.